The following is an entry in ClinVar:

NM_001081.4(CUBN):c.6821+3A>G

Gene: CUBN (cubilin; minus strand). Cytogenetic location: 10p13.
Variant type: single nucleotide variant.
Coding change: c.6821+3A>G on transcript NM_001081.4 (MANE Select); 3 bases into the intron after coding-DNA position 6821, A replaced by G.
Molecular consequence: intron variant.
Genome position (GRCh38, 1-based): chr10:16,919,960, T>C on the plus strand (A>G on the coding strand, the complement: CUBN is on the minus strand). VCF-style: chr10-16919960-T-C. GRCh37 (hg19) VCF-style: chr10-16961959-T-C.
Other names: c.6821+3A>G (NM_001081.3).
Identifiers: ClinVar variation 1333207 (VCV001333207.17), dbSNP rs767078847, ClinGen allele CA5423570.
Genomic context (GRCh38, chr10:16,919,960, plus strand): 5'-AGACATGACGGTTAAAAAATACTAACTTGGGGTAGGAAAAAAATGAAAATGGAAGTGACA[T>C]ACTTGGGTGTTACTTCAATATCGAATCGATCTTCAAATTGCAGCTGTATGCGTGTTTCCG-3'

ClinVar aggregate classification (germline): Pathogenic/Likely pathogenic. Review status: criteria provided, multiple submitters, no conflicts (2 of 4 stars). 5 submissions from 5 submitters: Pathogenic (2); Likely pathogenic (1). 2 of the submissions do not count toward it. Last evaluated 2025-06-24.

Conditions:
Imerslund-Grasbeck syndrome type 1 (IGS1). Also called: Megaloblastic anemia 1, Finnish type; MEGALOBLASTIC ANEMIA, 1; Imerslund-Gräsbeck syndrome 1. Identifiers: MedGen C4016819, MONDO:0100156, OMIM 261100.
Proteinuria, chronic benign. Identifiers: MedGen C5394384, MONDO:0030042, OMIM 618884.
CUBN-related disorders.

Allele frequency attached by ClinVar (database versions not stated): gnomAD 0.00001; gnomAD exomes 0.00002 and 0.00006; TOPMed 0.00003; ExAC 0.00009.
gnomAD v4.1: 26 of 1,612,224 alleles (0.0016%); highest among the groups gnomAD compares: East Asian, 0.045%; no homozygotes.

Submissions (5):

GeneDx
Classification: Pathogenic. Last evaluated: 2025-06-24. Review status: criteria provided, single submitter. Criteria: GeneDx Variant Classification Process June 2021. Collection method: clinical testing. Allele origin: germline.
Comment: Non-canonical splice site variant demonstrated to result in abnormal splicing in a gene for which loss of function is a known mechanism of disease (PMID: 36266725); This variant is associated with the following publications: (PMID: 37270787, 38488435, 31328266, 36266725)

Fulgent Genetics
Classification: Likely pathogenic for Imerslund-Grasbeck syndrome type 1; Proteinuria, chronic benign. Last evaluated: 2024-06-12. Review status: criteria provided, single submitter. Criteria: ACMG Guidelines, 2015. Collection method: clinical testing. Allele origin: germline.

Blueprint Genetics
Classification: Pathogenic for CUBN-related disorders. Last evaluated: 2024-04-15. Review status: criteria provided, single submitter. Criteria: ACMG Guidelines, 2015. Collection method: clinical testing. Allele origin: germline. Affected: yes. Observed: 5 variant alleles.

Department of Pediatric Nephrology, Wuhan Children's Hospital
Classification: Likely pathogenic for Proteinuria, chronic benign. Last evaluated: 2023-07-17. Review status: no assertion criteria provided. Collection method: clinical testing, in vitro. Allele origin: biparental, not applicable. Inheritance: Autosomal recessive inheritance. Affected: yes. Observed: 1 homozygote. Functional consequence: protein truncation. Not counted in ClinVar's aggregate classification.
Comment: In vitro functional cDNA sequencing and immunohistochemistry showed that the c.6821+3 (IVS44) A>G caused exon 44 skipping and premature translation termination.

3billion
Classification: Uncertain significance for Proteinuria, chronic benign. Last evaluated: 2022-01-03. Review status: flagged submission. Criteria: ACMG Guidelines, 2015. Collection method: clinical testing. Allele origin: germline. Affected: yes. Observed: 1 heterozygote. Not counted in ClinVar's aggregate classification.
Comment: The variant has been reported to be in trans with a pathogenic variant as either compound heterozygous or homozygous in at least one similarly affected unrelated individual (3billion dataset, PM3_M). It is observed at an extremely low frequency in the gnomAD v2.1.1 dataset (total allele frequency: 0.000060, PM2_M). Therefore, this variant is classified as uncertain significance according to the recommendation of ACMG/AMP guideline.
ClinVar note: Reason: Older claim that does not account for recent evidence